The following is an entry in ClinVar:

ClinVar aggregate classification (germline): Benign. Review status: criteria provided, multiple submitters, no conflicts (2 of 4 stars). 3 submissions from 3 submitters: Benign (2). 1 of the submissions does not count toward it. Last evaluated 2018-07-17.

Conditions:
KCNMA1-related disorder. Also called: KCNMA1-related condition; KCNMA1-related disorders.

Allele frequency attached by ClinVar (database versions not stated): gnomAD exomes 0.00237; gnomAD 0.02692 and 0.02905; 1000 Genomes Project 0.02815; 1000 Genomes Project 30x 0.02889; TOPMed 0.03047.
gnomAD v4.1: 7,266 of 1,414,708 alleles (0.51%); highest among the groups gnomAD compares: African/African-American, 9.4%; 347 homozygotes.

Submissions (3):

GeneDx
Classification: Benign. Last evaluated: 2018-07-17. Review status: criteria provided, single submitter. Criteria: GeneDx Variant Classification Process June 2021. Collection method: clinical testing. Allele origin: germline. Affected: yes.

Breakthrough Genomics
Classification: Benign. Review status: criteria provided, single submitter. Criteria: ACMG Guidelines, 2015. Collection method: not provided. Allele origin: germline. Inheritance: Autosomal recessive inheritance. Affected: yes.

PreventionGenetics, part of Exact Sciences
Classification: Benign for KCNMA1-related condition. Last evaluated: 2024-03-05. Review status: no assertion criteria provided. Collection method: clinical testing. Allele origin: germline. Not counted in ClinVar's aggregate classification.
Comment: This variant is classified as benign based on ACMG/AMP sequence variant interpretation guidelines (Richards et al. 2015 PMID: 25741868, with internal and published modifications).

NM_001161352.2(KCNMA1):c.378+302G>A

Gene: KCNMA1 (potassium calcium-activated channel subfamily M alpha 1; minus strand). Cytogenetic location: 10q22.3.
Variant type: single nucleotide variant.
Coding change: c.378+302G>A on transcript NM_001161352.2 (MANE Select); 302 bases into the intron after coding-DNA position 378, G replaced by A.
Molecular consequence: intron variant. On other transcripts: missense variant (2).
Genome position (GRCh38, 1-based): chr10:77,636,963, C>T on the plus strand (G>A on the coding strand, the complement: KCNMA1 is on the minus strand). VCF-style: chr10-77636963-C-T. GRCh37 (hg19) VCF-style: chr10-79396721-C-T.
Other names: c.422G>A, p.Arg141Lys (NM_001271520.2, NM_001322839.2); c.378+302G>A (NM_001271518.2, NM_001322832.2, NM_001322829.2 and 10 more transcripts); c.422G>A (NM_001322839.1); short protein forms R141K.
Identifiers: ClinVar variation 1267519 (VCV001267519.5), dbSNP rs76903211, ClinGen allele CA210159485.
Genomic context (GRCh38, chr10:77,636,963, plus strand): 5'-CCCAGCTTCCTCCGTCCCCGCTGAGTTGGCTGTCCCCACCCCGCACCACGGCACCCGAGC[C>T]TGTGAGTCCCCGACCCCGGCCCCAGCCGCAGCCGCCAACAACCCTACAATAAACAAGAGG-3'